The following is an entry in ClinVar:

NM_000133.4(F9):c.458T>C (p.Val153Ala)

Gene: F9 (coagulation factor IX; plus strand). Cytogenetic location: Xq27.1.
Variant type: single nucleotide variant.
Coding change: c.458T>C on transcript NM_000133.4 (MANE Select); coding-DNA position 458, T replaced by C.
Protein change: p.Val153Ala; replaces valine 153 with alanine.
Molecular consequence: missense variant.
Genome position (GRCh38, 1-based): chrX:139,548,429, T>C. VCF-style: chrX-139548429-T-C. GRCh37 (hg19) VCF-style: chrX-138630588-T-C.
Other names: p.Val153Ala; c.344T>C, p.Val115Ala (NM_001313913.2); short protein forms V115A, V153A.
Identifiers: ClinVar variation 3380933 (VCV003380933.1).
Genomic context (GRCh38, chrX:139,548,429, plus strand): 5'-CATGTAACATTAAGAATGGCAGATGCGAGCAGTTTTGTAAAAATAGTGCTGATAACAAGG[T>C]GGTTTGCTCCTGTACTGAGGGATATCGACTTGCAGAAAACCAGAAGTCCTGTGAACCAGC-3'
Protein context (NP_000124.1, residues 143-163): QFCKNSADNK[Val153Ala]VCSCTEGYRL

ClinVar aggregate classification (germline): Likely pathogenic (1 of 4 stars; one submission).

Submission:

Mayo Clinic Laboratories, Mayo Clinic
Classification: Likely pathogenic. Last evaluated: 2024-08-21. Review status: criteria provided, single submitter. Criteria: ACMG Guidelines, 2015. Collection method: clinical testing. Allele origin: germline. Observed: 1 variant allele.
Comment: PM1, PM2, PS3_moderate, PS4_moderate

Literature cited by the submitters: PubMed 11960977; PubMed 2066105; PubMed 28722788.